The following is an entry in ClinVar:

ClinVar aggregate classification (germline): Benign. Review status: criteria provided, multiple submitters, no conflicts (2 of 4 stars). 10 submissions from 10 submitters: Benign (7). 3 of the submissions do not count toward it. Last evaluated 2026-02-02.

Conditions:
PINK1-related disorder. Also called: PINK1-related condition.
Autosomal recessive early-onset Parkinson disease 6 (PARK6). Also called: PARKINSON DISEASE 6, EARLY-ONSET; PINK1 Type of Young-Onset Parkinson Disease; PINK1-Related Parkinson Disease; PARKINSON DISEASE 6, MODIFIER OF. Identifiers: Orphanet 2828, MedGen C1853833, MONDO:0011613, OMIM 605909.

Allele frequency attached by ClinVar (database versions not stated): ESP Exome Variant Server 0.03744; gnomAD 0.04637 and 0.05494; TOPMed 0.04964; gnomAD exomes 0.06481 and 0.09214; ExAC 0.09211; 1000 Genomes Project 30x 0.11680; 1000 Genomes Project 0.12280.
gnomAD v4.1: 103,422 of 1,613,752 alleles (6.4%); highest among the groups gnomAD compares: East Asian, 26%; 5,875 homozygotes.

Submissions (10):

Labcorp Genetics (formerly Invitae), Labcorp
Classification: Benign for Autosomal recessive early-onset Parkinson disease 6. Last evaluated: 2026-02-02. Review status: criteria provided, single submitter. Criteria: Invitae Variant Classification Sherloc (09022015). Collection method: clinical testing. Allele origin: germline.

Unidad de Genómica Garrahan, Hospital de Pediatría Garrahan
Classification: Benign. Last evaluated: 2024-07-31. Review status: criteria provided, single submitter. Criteria: ACMG Guidelines, 2015. Collection method: clinical testing. Allele origin: germline. Affected: no. Observed: 24 variant alleles.
Comment: This variant is classified as Benign based on local population frequency. This variant was detected in 26% of patients studied in a panel designed for Epileptic and Developmental Encephalopathy, Progressive Myoclonus Epilepsy and Abnormal Movements and Neurodegeneration with brain iron accumulation. Number of patients: 24. Only high quality variants are reported.

ARUP Laboratories, Molecular Genetics and Genomics, ARUP Laboratories
Classification: Benign for Autosomal recessive early-onset Parkinson disease 6. Last evaluated: 2023-11-29. Review status: criteria provided, single submitter. Criteria: ARUP Molecular Germline Variant Investigation Process 2024. Collection method: clinical testing. Allele origin: germline.

Mayo Clinic Laboratories, Mayo Clinic
Classification: Benign. Last evaluated: 2023-04-11. Review status: criteria provided, single submitter. Criteria: ACMG Guidelines, 2015. Collection method: clinical testing. Allele origin: germline. Observed: 74 variant alleles.
Comment: BA1, BP4

GeneDx
Classification: Benign. Last evaluated: 2018-08-30. Review status: criteria provided, single submitter. Criteria: GeneDx Variant Classification Process June 2021. Collection method: clinical testing. Allele origin: germline. Affected: yes.
Comment: This variant is associated with the following publications: (PMID: 23459931, 17084972, 31182772)

Illumina Laboratory Services, Illumina
Classification: Benign for Autosomal recessive early-onset Parkinson disease 6. Last evaluated: 2018-03-06. Review status: criteria provided, single submitter. Criteria: ICSL Variant Classification Criteria 13 December 2019. Collection method: clinical testing. Allele origin: germline.
Comment: This variant was observed in the ICSL laboratory as part of a predisposition screen in an ostensibly healthy population. It had not been previously curated by ICSL or reported in the Human Gene Mutation Database (HGMD: prior to June 1st, 2018), and was therefore a candidate for classification through an automated scoring system. Utilizing variant allele frequency, disease prevalence and penetrance estimates, and inheritance mode, an automated score was calculated to assess if this variant is too frequent to cause the disease. Based on the score and internal cut-off values, a variant classified as benign is not then subjected to further curation. The score for this variant resulted in a classification of benign for this disease.

Breakthrough Genomics
Classification: Benign. Review status: criteria provided, single submitter. Criteria: ACMG Guidelines, 2015. Collection method: not provided. Allele origin: germline. Inheritance: Autosomal recessive inheritance. Affected: yes.

PreventionGenetics, part of Exact Sciences
Classification: Benign for PINK1-related condition. Last evaluated: 2024-03-20. Review status: no assertion criteria provided. Collection method: clinical testing. Allele origin: germline. Not counted in ClinVar's aggregate classification.
Comment: This variant is classified as benign based on ACMG/AMP sequence variant interpretation guidelines (Richards et al. 2015 PMID: 25741868, with internal and published modifications).

Clinical Genetics DNA and cytogenetics Diagnostics Lab, Erasmus MC, Erasmus Medical Center
Classification: Benign. Review status: no assertion criteria provided. Collection method: clinical testing. Allele origin: germline. Affected: yes. Study: VKGL Data-share Consensus. Not counted in ClinVar's aggregate classification.

Genome Diagnostics Laboratory, Amsterdam University Medical Center
Classification: Benign. Review status: no assertion criteria provided. Collection method: clinical testing. Allele origin: germline. Affected: yes. Study: VKGL Data-share Consensus. Not counted in ClinVar's aggregate classification.

NM_032409.3(PINK1):c.1018G>A (p.Ala340Thr)

Genes: PINK1 (PTEN induced kinase 1; plus strand), PINK1-AS (PINK1 antisense RNA; minus strand). Cytogenetic location: 1p36.12.
Variant type: single nucleotide variant.
Coding change: c.1018G>A on transcript NM_032409.3 (MANE Select); coding-DNA position 1018, G replaced by A.
Protein change: p.Ala340Thr; replaces alanine 340 with threonine.
Molecular consequence: missense variant. On other transcripts: non-coding transcript variant (1).
Genome position (GRCh38, 1-based): chr1:20,645,618, G>A. VCF-style: chr1-20645618-G-A. GRCh37 (hg19) VCF-style: chr1-20972111-G-A.
Other names: short protein forms A340T.
Identifiers: ClinVar variation 295004 (VCV000295004.31), dbSNP rs3738136, ClinGen allele CA660670.